The following is an entry in ClinVar:

NM_004525.3(LRP2):c.9177C>T (p.Asp3059=)

Gene: LRP2 (LDL receptor related protein 2; minus strand). Cytogenetic location: 2q31.1.
Variant type: single nucleotide variant.
Coding change: c.9177C>T on transcript NM_004525.3 (MANE Select); coding-DNA position 9177, C replaced by T.
Protein change: p.Asp3059=; no amino-acid change (aspartic acid 3059 retained).
Molecular consequence: synonymous variant.
Genome position (GRCh38, 1-based): chr2:169,188,121, G>A on the plus strand (C>T on the coding strand, the complement: LRP2 is on the minus strand). VCF-style: chr2-169188121-G-A. GRCh37 (hg19) VCF-style: chr2-170044631-G-A.
Identifiers: ClinVar variation 1149724 (VCV001149724.31), dbSNP rs763193608, ClinGen allele CA1953652.
Genomic context (GRCh38, chr2:169,188,121, plus strand): 5'-CTCGTGAGGTGGACACGTGGGTTCTGGGGTGTGGCACAGGTGCATCAGCTCATCAGATCC[G>A]TCTCCACAGTCATTATCCTCATCACAGACGAAGGTTTTACTAATGCAGCGCCCGTTCTGA-3'
Protein context (NP_004516.2, residues 3049-3069): FVCDEDNDCG[Asp3059=]GSDELMHLCH

ClinVar aggregate classification (germline): Likely benign. Review status: criteria provided, multiple submitters, no conflicts (2 of 4 stars). 5 submissions from 5 submitters: Likely benign (5). Last evaluated 2026-01-28.

Conditions:
Donnai-Barrow syndrome. Also called: DBS/FOAR SYNDROME; FACIOOCULOACOUSTICORENAL SYNDROME. Identifiers: Orphanet 2143, MedGen C1857277, MONDO:0009104, OMIM 222448.

Allele frequency attached by ClinVar (database versions not stated): gnomAD 0.00011 and 0.00012; TOPMed 0.00012.
gnomAD v4.1: 166 of 1,614,092 alleles (0.01%); highest among the groups gnomAD compares: Non-Finnish European, 0.012%; no homozygotes.

Submissions (5):

Labcorp Genetics (formerly Invitae), Labcorp
Classification: Likely benign. Last evaluated: 2026-01-28. Review status: criteria provided, single submitter. Criteria: Invitae Variant Classification Sherloc (09022015). Collection method: clinical testing. Allele origin: germline.

CeGaT Center for Human Genetics Tuebingen
Classification: Likely benign. Last evaluated: 2024-09-01. Review status: criteria provided, single submitter. Criteria: CeGaT Center For Human Genetics Tuebingen Variant Classification Criteria Version 2. Collection method: clinical testing. Allele origin: germline. Affected: yes. Observed: 2 variant alleles.
Comment: LRP2: BP4, BP7

Blueprint Genetics
Classification: Likely benign. Last evaluated: 2024-04-17. Review status: criteria provided, single submitter. Criteria: ACMG Guidelines, 2015. Collection method: clinical testing. Allele origin: germline.

Fulgent Genetics
Classification: Likely benign for Donnai-Barrow syndrome. Last evaluated: 2021-12-14. Review status: criteria provided, single submitter. Criteria: ACMG Guidelines, 2015. Collection method: clinical testing. Allele origin: unknown.

Breakthrough Genomics
Classification: Likely benign. Review status: criteria provided, single submitter. Criteria: ACMG Guidelines, 2015. Collection method: not provided. Allele origin: germline. Inheritance: Autosomal recessive inheritance. Affected: yes.